The following is an entry in ClinVar:

NM_017852.5(NLRP2):c.1206G>A (p.Trp402Ter)

Gene: NLRP2 (NLR family pyrin domain containing 2; plus strand). Cytogenetic location: 19q13.42.
Variant type: single nucleotide variant.
Coding change: c.1206G>A on transcript NM_017852.5 (MANE Select); coding-DNA position 1206, G replaced by A.
Protein change: p.Trp402Ter; replaces tryptophan 402 with a stop codon.
Molecular consequence: nonsense. On other transcripts: non-coding transcript variant (1).
Genome position (GRCh38, 1-based): chr19:54,982,904, G>A. VCF-style: chr19-54982904-G-A. GRCh37 (hg19) VCF-style: chr19-55494272-G-A.
Other names: c.1206G>A, p.Trp402Ter (NM_001174081.3); c.1140G>A, p.Trp380Ter (NM_001174082.3); c.1137G>A, p.Trp379Ter (NM_001174083.2); c.1197G>A, p.Trp399Ter (NM_001348003.2); short protein forms W379*, W380*, W399*, W402*.
Identifiers: ClinVar variation 3384320 (VCV003384320.1).

ClinVar aggregate classification (germline): Uncertain significance (1 of 4 stars; one submission).

gnomAD v4.1: 3 of 1,613,160 alleles (0.00019%); highest among the groups gnomAD compares: East Asian, 0.0022%; no homozygotes.

Submission:

GeneDx
Classification: Uncertain significance. Last evaluated: 2024-06-07. Review status: criteria provided, single submitter. Criteria: GeneDx Variant Classification Process June 2021. Collection method: clinical testing. Allele origin: germline. Affected: yes.
Comment: Not observed at significant frequency in large population cohorts (gnomAD); Nonsense variant predicted to result in protein truncation or nonsense mediated decay in a gene or region of a gene for which loss of function is not a well-established mechanism of disease; Has not been previously published as pathogenic or benign to our knowledge